The following is an entry in ClinVar:

NM_001378183.1(PIEZO2):c.1159A>T (p.Ser387Cys)

Gene: PIEZO2 (piezo type mechanosensitive ion channel component 2; minus strand). Cytogenetic location: 18p11.22.
Variant type: single nucleotide variant.
Coding change: c.1159A>T on transcript NM_001378183.1 (MANE Select); coding-DNA position 1159, A replaced by T.
Protein change: p.Ser387Cys; replaces serine 387 with cysteine.
Molecular consequence: missense variant.
Genome position (GRCh38, 1-based): chr18:10,803,916, T>A on the plus strand (A>T on the coding strand, the complement: PIEZO2 is on the minus strand). VCF-style: chr18-10803916-T-A. GRCh37 (hg19) VCF-style: chr18-10803914-T-A.
Other names: c.1159A>T, p.Ser387Cys (NM_001410871.1, NM_022068.4); short protein forms S387C.
Identifiers: ClinVar variation 2629948 (VCV002629948.1), dbSNP rs371514584, ClinGen allele CA401925708.
Genomic context (GRCh38, chr18:10,803,916, plus strand): 5'-CCCTTTCATCATGGCTTACTTTTCTCTCATCAGTGGGGTAATGGGTTGCGTACCACAGGC[T>A]CCGCCTCCTCCCCGCTGTTATTTGGATGGGGCTACAAGCCAGGGCTTTGTCCTCTTCTTT-3'
Protein context (NP_001365112.1, residues 377-397): PIQITAGRRR[Ser387Cys]LWYATHYPTD

ClinVar aggregate classification (germline): Uncertain significance (1 of 4 stars; one submission).

Conditions:
PIEZO2-related disorder. Also called: PIEZO2-related condition; PIEZO2-related disorders.

Submission:

PreventionGenetics, part of Exact Sciences
Classification: Uncertain significance for PIEZO2-related condition. Last evaluated: 2023-01-10. Review status: criteria provided, single submitter. Criteria: ACMG Guidelines, 2015. Collection method: clinical testing. Allele origin: germline.
Comment: The PIEZO2 c.1159A>T variant is predicted to result in the amino acid substitution p.Ser387Cys. To our knowledge, this variant has not been reported in the literature or in a large population database, indicating this variant is rare. At this time, the clinical significance of this variant is uncertain due to the absence of conclusive functional and genetic evidence.